The following is an entry in ClinVar:

NM_006231.4(POLE):c.1373A>T (p.Tyr458Phe)

Gene: POLE (DNA polymerase epsilon, catalytic subunit; minus strand). Cytogenetic location: 12q24.33.
Variant type: single nucleotide variant.
Coding change: c.1373A>T on transcript NM_006231.4 (MANE Select); coding-DNA position 1373, A replaced by T.
Protein change: p.Tyr458Phe; replaces tyrosine 458 with phenylalanine.
Molecular consequence: missense variant.
Genome position (GRCh38, 1-based): chr12:132,673,264, T>A on the plus strand (A>T on the coding strand, the complement: POLE is on the minus strand). VCF-style: chr12-132673264-T-A. GRCh37 (hg19) VCF-style: chr12-133249850-T-A.
Other names: short protein forms Y458F.
Identifiers: ClinVar variation 3340205 (VCV003340205.2).

ClinVar aggregate classification (germline): Likely pathogenic (1 of 4 stars; one submission).
ClinVar aggregate classification (somatic clinical impact): Tier I - Strong (1 of 4 stars; one submission).

Conditions:
Diffuse pediatric-type high-grade glioma, H3-wildtype and IDH-wildtype. Identifiers: MedGen C5669918, MONDO:0858939.

Submissions (2):

GeneDx
Classification: Likely pathogenic. Last evaluated: 2024-01-09. Review status: criteria provided, single submitter. Criteria: GeneDx Variant Classification Process June 2021. Collection method: clinical testing. Allele origin: germline. Affected: yes.
Comment: Not observed at significant frequency in large population cohorts (gnomAD); In silico analysis supports that this missense variant has a deleterious effect on protein structure/function; In silico analysis suggests this variant may impact gene splicing. In the absence of RNA/functional splicing studies, the actual effect of this sequence change is unknown; This variant is associated with the following publications: (PMID: 20951805, 34907997, 28423643, 25860647, 26822575, 28687338, 30503519, 34479923, 35463299, 32424176, 30862463, 33948826, 37848928, 35037018, 36856825, 28195393)

Institute for Genomic Medicine (IGM) Clinical Laboratory, Nationwide Children's Hospital
Classification: Tier I - Strong for Diffuse pediatric-type high-grade glioma, H3-wildtype and IDH-wildtype. Assertion type: diagnostic. Clinical significance: supports diagnosis. Last evaluated: 2023-09-25. Review status: criteria provided, single submitter. Criteria: AMP/ASCO/CAP Guidelines, 2017. Collection method: clinical testing. Allele origin: somatic. Affected: yes.
Comment: Variant has Tier I (strong) clinical significance as a diagnostic inclusion criterion in diffuse pediatric-type high-grade glioma, H3-wildtype and IDH-wildtype, based on the following evidence: 1) Information in the literature supports potential biologic effect of variant (PMID: 36856825). 2) Diagnostic for a specific tumor type/classification based on well-powered studies with expert-level consensus (Evidence Level B; PMIDs: 25740784, 28912153, 29763623).

Literature cited by the submitters: PubMed 36856825 (cited by Institute for Genomic Medicine (IGM) Clinical Laboratory, Nationwide Children's Hospital); PubMed 25740784 (cited by Institute for Genomic Medicine (IGM) Clinical Laboratory, Nationwide Children's Hospital); PubMed 28912153 (cited by Institute for Genomic Medicine (IGM) Clinical Laboratory, Nationwide Children's Hospital); PubMed 29763623 (cited by Institute for Genomic Medicine (IGM) Clinical Laboratory, Nationwide Children's Hospital).